The following is an entry in ClinVar:

NM_033004.4(NLRP1):c.4280G>A (p.Arg1427Gln)

Gene: NLRP1 (NLR family pyrin domain containing 1; minus strand). Cytogenetic location: 17p13.2.
Variant type: single nucleotide variant.
Coding change: c.4280G>A on transcript NM_033004.4 (MANE Select); coding-DNA position 4280, G replaced by A.
Protein change: p.Arg1427Gln; replaces arginine 1427 with glutamine.
Molecular consequence: missense variant. On other transcripts: intron variant (1).
Genome position (GRCh38, 1-based): chr17:5,514,896, C>T on the plus strand (G>A on the coding strand, the complement: NLRP1 is on the minus strand). VCF-style: chr17-5514896-C-T. GRCh37 (hg19) VCF-style: chr17-5418216-C-T.
Other names: c.4280G>A (NM_033004.3); c.4148G>A, p.Arg1383Gln (NM_014922.5); c.4190G>A, p.Arg1397Gln (NM_033006.4); c.4058G>A, p.Arg1353Gln (NM_033007.4); c.4069+2850G>A (NM_001033053.3); short protein forms R1353Q, R1427Q, R1383Q, R1397Q.
Identifiers: ClinVar variation 1417285 (VCV001417285.9), dbSNP rs184023870, ClinGen allele CA8326591.

ClinVar aggregate classification (germline): Uncertain significance. Review status: criteria provided, multiple submitters, no conflicts (2 of 4 stars). 2 submissions from 2 submitters: Uncertain significance (2). Last evaluated 2026-01-06.

Conditions:
Inborn genetic diseases. Identifiers: MedGen C0950123, MeSH D030342.

Allele frequency attached by ClinVar (database versions not stated): ExAC 0.00002; gnomAD 0.00002 and 0.00001; gnomAD exomes 0.00002 and 0.00004; TOPMed 0.00003; 1000 Genomes Project 0.00020; 1000 Genomes Project 30x 0.00031.
gnomAD v4.1: 32 of 1,614,152 alleles (0.002%); highest among the groups gnomAD compares: Admixed American, 0.01%; no homozygotes.

Submissions (2):

Labcorp Genetics (formerly Invitae), Labcorp
Classification: Uncertain significance. Last evaluated: 2026-01-06. Review status: criteria provided, single submitter. Criteria: Invitae Variant Classification Sherloc (09022015). Collection method: clinical testing. Allele origin: germline.
Comment: This sequence change replaces arginine, which is basic and polar, with glutamine, which is neutral and polar, at codon 1427 of the NLRP1 protein (p.Arg1427Gln). This variant is present in population databases (rs184023870, gnomAD 0.01%). This variant has not been reported in the literature in individuals affected with NLRP1-related conditions. ClinVar contains an entry for this variant (Variation ID: 1417285). An algorithm developed to predict the effect of missense changes on protein structure and function (PolyPhen-2) suggests that this variant is likely to be disruptive. In summary, the available evidence is currently insufficient to determine the role of this variant in disease. Therefore, it has been classified as a Variant of Uncertain Significance.

Ambry Genetics
Classification: Uncertain significance for Inborn genetic diseases. Last evaluated: 2025-12-08. Review status: criteria provided, single submitter. Criteria: Ambry Variant Classification Scheme 2023. Collection method: clinical testing. Allele origin: germline.